The following is an entry in ClinVar:

NM_001369268.1(ACAN):c.2606A>G (p.Asp869Gly)

Gene: ACAN (aggrecan; plus strand). Cytogenetic location: 15q26.1.
Variant type: single nucleotide variant.
Coding change: c.2606A>G on transcript NM_001369268.1 (MANE Select); coding-DNA position 2606, A replaced by G.
Protein change: p.Asp869Gly; replaces aspartic acid 869 with glycine.
Molecular consequence: missense variant.
Genome position (GRCh38, 1-based): chr15:88,855,191, A>G. VCF-style: chr15-88855191-A-G. GRCh37 (hg19) VCF-style: chr15-89398422-A-G.
Other names: c.2606A>G, p.Asp869Gly (NM_001135.4, NM_013227.4); short protein forms D869G.
Identifiers: ClinVar variation 996361 (VCV000996361.2), dbSNP rs1897023474, ClinGen allele CA393716713.

ClinVar aggregate classification (germline): Uncertain significance (1 of 4 stars; one submission).

Submission:

MVZ Dr. Eberhard & Partner Dortmund
Classification: Uncertain significance. Last evaluated: 2020-11-13. Review status: criteria provided, single submitter. Criteria: ACMG Guidelines, 2015. Collection method: clinical testing. Allele origin: unknown. Observed: 1 heterozygote.
Comment: The affected nucleotide at a weakly conserved position (phyloP: 0.77 [-14.1;6.4]) is predicted to cause an amino acid change from Asp869 to Gly. There is a physicochemical difference between Asp and Gly (Grantham distance: 94 [0-215]) and this amino acid is highly conserved up to cow (considering 8 species) but the results of missense programs are discrepant (SIFT (v6.2.0: tolerated (score 0.05, median 4.32; MutationTaster (v2013): polymorphism (prob 0.999)).